The following is an entry in ClinVar:

NM_001378120.1(MBD5):c.163C>G (p.Leu55Val)

Gene: MBD5 (methyl-CpG binding domain protein 5; plus strand). Cytogenetic location: 2q23.1.
Variant type: single nucleotide variant.
Coding change: c.163C>G on transcript NM_001378120.1 (MANE Select); coding-DNA position 163, C replaced by G.
Protein change: p.Leu55Val; replaces leucine 55 with valine.
Molecular consequence: missense variant.
Genome position (GRCh38, 1-based): chr2:148,462,631, C>G. VCF-style: chr2-148462631-C-G. GRCh37 (hg19) VCF-style: chr2-149220200-C-G.
Other names: c.163C>G, p.Leu55Val (NM_018328.5); short protein forms L55V.
Identifiers: ClinVar variation 1313091 (VCV001313091.2), dbSNP rs2105571487, ClinGen allele CA348716176.

ClinVar aggregate classification (germline): Uncertain significance (1 of 4 stars; one submission).

Submission:

GeneDx
Classification: Uncertain significance. Last evaluated: 2020-07-15. Review status: criteria provided, single submitter. Criteria: GeneDx Variant Classification Process June 2021. Collection method: clinical testing. Allele origin: germline. Affected: yes.
Comment: Not observed in large population cohorts (Lek et al., 2016); In silico analysis supports that this missense variant does not alter protein structure/function; Has not been previously published as pathogenic or benign to our knowledge